The following is an entry in ClinVar:

ClinVar aggregate classification (germline): Likely benign (1 of 4 stars; one submission).

Conditions:
Epidermolysis bullosa simplex due to plakophilin deficiency. Also called: MCGRATH SYNDROME. Identifiers: Orphanet 158668, MedGen C1858302, MONDO:0011472, OMIM 604536.

Allele frequency attached by ClinVar (database versions not stated): gnomAD 0.00066 and 0.00078; TOPMed 0.00071; 1000 Genomes Project 30x 0.00187; 1000 Genomes Project 0.00200.

Submission:

Illumina Laboratory Services, Illumina
Classification: Likely benign for Epidermolysis bullosa simplex due to plakophilin deficiency. Last evaluated: 2018-01-12. Review status: criteria provided, single submitter. Criteria: ICSL Variant Classification Criteria 13 December 2019. Collection method: clinical testing. Allele origin: germline.
Comment: This variant was observed in the ICSL laboratory as part of a predisposition screen in an ostensibly healthy population. It had not been previously curated by ICSL or reported in the Human Gene Mutation Database (HGMD: prior to June 1st, 2018), and was therefore a candidate for classification through an automated scoring system. Utilizing variant allele frequency, disease prevalence and penetrance estimates, and inheritance mode, an automated score was calculated to assess if this variant is too frequent to cause the disease. Based on the score and internal cut-off values, a variant classified as likely benign is not then subjected to further curation. The score for this variant resulted in a classification of likely benign for this disease.

NM_001005337.3(PKP1):c.*718T>C

Gene: PKP1 (plakophilin 1; plus strand). Cytogenetic location: 1q32.1.
Variant type: single nucleotide variant.
Coding change: c.*718T>C on transcript NM_001005337.3 (MANE Select); 718 bases downstream of the stop codon, T replaced by C.
Molecular consequence: 3 prime UTR variant.
Genome position (GRCh38, 1-based): chr1:201,330,759, T>C. VCF-style: chr1-201330759-T-C. GRCh37 (hg19) VCF-style: chr1-201299887-T-C.
Other names: c.*718T>C (NM_000299.4).
Identifiers: ClinVar variation 294853 (VCV000294853.5), dbSNP rs184294871, ClinGen allele CA10609395.